The following is an entry in ClinVar:

NM_002449.5(MSX2):c.437G>A (p.Arg146His)

Gene: MSX2 (msh homeobox 2; plus strand). Cytogenetic location: 5q35.2.
Variant type: single nucleotide variant.
Coding change: c.437G>A on transcript NM_002449.5 (MANE Select); coding-DNA position 437, G replaced by A.
Protein change: p.Arg146His; replaces arginine 146 with histidine.
Molecular consequence: missense variant. On other transcripts: 3 prime UTR variant (1).
Genome position (GRCh38, 1-based): chr5:174,729,216, G>A. VCF-style: chr5-174729216-G-A. GRCh37 (hg19) VCF-style: chr5-174156219-G-A.
Other names: c.*61G>A (NM_001363626.2); short protein forms R146H.
Identifiers: ClinVar variation 2105107 (VCV002105107.4), dbSNP rs1201449653, ClinGen allele CA362229877.
Genomic context (GRCh38, chr5:174,729,216, plus strand): 5'-TAGGACATATGAGCCCTACCACCTGCACCCTGAGGAAACACAAGACCAATCGGAAGCCGC[G>A]CACGCCCTTTACCACATCCCAGCTCCTCGCCCTGGAGCGCAAGTTCCGTCAGAAACAGTA-3'
Protein context (NP_002440.2, residues 136-156): LRKHKTNRKP[Arg146His]TPFTTSQLLA

ClinVar aggregate classification (germline): Uncertain significance (1 of 4 stars; one submission).

Conditions:
Cranium bifidum occultum. Also called: CATLIN MARKS; Enlarged Parietal Foramina; CRANIUM BIFIDUM, HEREDITARY. Identifiers: MedGen C1868598, HP:0004423.

Allele frequency attached by ClinVar (database versions not stated): gnomAD exomes below 0.00001; gnomAD 0.00001; 1000 Genomes Project 30x 0.00016.

Submission:

Labcorp Genetics (formerly Invitae), Labcorp
Classification: Uncertain significance for Cranium bifidum occultum. Last evaluated: 2022-03-01. Review status: criteria provided, single submitter. Criteria: Invitae Variant Classification Sherloc (09022015). Collection method: clinical testing. Allele origin: germline.
Comment: Algorithms developed to predict the effect of missense changes on protein structure and function (SIFT, PolyPhen-2, Align-GVGD) all suggest that this variant is likely to be disruptive. In summary, the available evidence is currently insufficient to determine the role of this variant in disease. Therefore, it has been classified as a Variant of Uncertain Significance. This variant has not been reported in the literature in individuals affected with MSX2-related conditions. This variant is not present in population databases (gnomAD no frequency). This sequence change replaces arginine, which is basic and polar, with histidine, which is basic and polar, at codon 146 of the MSX2 protein (p.Arg146His).